The following is an entry in ClinVar:

NM_001319217.2(CYP1A1):c.519G>A (p.Thr173=)

Gene: CYP1A1 (cytochrome P450 family 1 subfamily A member 1; minus strand). Cytogenetic location: 15q24.1.
Variant type: single nucleotide variant.
Coding change: c.519G>A on transcript NM_001319217.2 (MANE Select); coding-DNA position 519, G replaced by A.
Protein change: p.Thr173=; no amino-acid change (threonine 173 retained).
Molecular consequence: synonymous variant.
Genome position (GRCh38, 1-based): chr15:74,722,579, C>T on the plus strand (G>A on the coding strand, the complement: CYP1A1 is on the minus strand). VCF-style: chr15-74722579-C-T. GRCh37 (hg19) VCF-style: chr15-75014920-C-T.
Other names: c.519G>A, p.Thr173= (NM_000499.5, NM_001319216.2).
Identifiers: ClinVar variation 3057782 (VCV003057782.2), dbSNP rs150427960, ClinGen allele CA7659522.

ClinVar aggregate classification (germline): Likely benign (0 of 4 stars; one submission).

Conditions:
CYP1A1-related disorder. Also called: CYP1A1-related condition.

Allele frequency attached by ClinVar (database versions not stated): TOPMed 0.00001; gnomAD 0.00002; ExAC 0.00015; ESP Exome Variant Server 0.00015.
gnomAD v4.1: 89 of 1,614,050 alleles (0.0055%); highest among the groups gnomAD compares: South Asian, 0.059%; no homozygotes.

Submission:

PreventionGenetics, part of Exact Sciences
Classification: Likely benign for CYP1A1-related condition. Last evaluated: 2019-02-21. Review status: no assertion criteria provided. Collection method: clinical testing. Allele origin: germline.
Comment: This variant is classified as likely benign based on ACMG/AMP sequence variant interpretation guidelines (Richards et al. 2015 PMID: 25741868, with internal and published modifications).